The following is an entry in ClinVar:

NM_020638.3(FGF23):c.494C>T (p.Pro165Leu)

Gene: FGF23 (fibroblast growth factor 23; minus strand). Cytogenetic location: 12p13.32.
Variant type: single nucleotide variant.
Coding change: c.494C>T on transcript NM_020638.3 (MANE Select); coding-DNA position 494, C replaced by T.
Protein change: p.Pro165Leu; replaces proline 165 with leucine.
Molecular consequence: missense variant.
Genome position (GRCh38, 1-based): chr12:4,370,605, G>A on the plus strand (C>T on the coding strand, the complement: FGF23 is on the minus strand). VCF-style: chr12-4370605-G-A. GRCh37 (hg19) VCF-style: chr12-4479771-G-A.
Other names: short protein forms P165L.
Identifiers: ClinVar variation 4839299 (VCV004839299.1).

ClinVar aggregate classification (germline): Uncertain significance (1 of 4 stars; one submission).

Conditions:
Inborn genetic diseases. Identifiers: MedGen C0950123, MeSH D030342.

gnomAD v4.1: 14 of 1,613,962 alleles (0.00087%); highest among the groups gnomAD compares: Admixed American, 0.0017%; no homozygotes.

Submission:

Ambry Genetics
Classification: Uncertain significance for Inborn genetic diseases. Last evaluated: 2026-01-14. Review status: criteria provided, single submitter. Criteria: Ambry Variant Classification Scheme 2023. Collection method: clinical testing. Allele origin: germline.
Comment: The c.494C>T (p.P165L) alteration is located in exon 3 (coding exon 3) of the FGF23 gene. This alteration results from a C to T substitution at nucleotide position 494, causing the proline (P) at amino acid position 165 to be replaced by a leucine (L). Based on data from gnomAD, the T allele has an overall frequency of <0.001% (1/251176) total alleles studied. The highest observed frequency was 0.001% (1/113550) of European (non-Finnish) alleles. Based on insufficient or conflicting evidence, the clinical significance of this alteration remains unclear.